The following is an entry in ClinVar:

ClinVar aggregate classification (germline): Benign (0 of 4 stars; one submission).

Conditions:
SEC23IP-related disorder. Also called: SEC23IP-related condition.

Allele frequency attached by ClinVar (database versions not stated): gnomAD exomes 0.67923; ESP Exome Variant Server 0.70852; gnomAD 0.71347; ExAC 0.71637; TOPMed 0.71757; 1000 Genomes Project 30x 0.75125; 1000 Genomes Project 0.75140.

Submission:

PreventionGenetics, part of Exact Sciences
Classification: Benign for SEC23IP-related condition. Last evaluated: 2019-10-16. Review status: no assertion criteria provided. Collection method: clinical testing. Allele origin: germline.
Comment: This variant is classified as benign based on ACMG/AMP sequence variant interpretation guidelines (Richards et al. 2015 PMID: 25741868, with internal and published modifications).

NM_007190.4(SEC23IP):c.1930A>G (p.Lys644Glu)

Gene: SEC23IP (SEC23 interacting protein; plus strand). Cytogenetic location: 10q26.12.
Variant type: single nucleotide variant.
Coding change: c.1930A>G on transcript NM_007190.4 (MANE Select); coding-DNA position 1930, A replaced by G.
Protein change: p.Lys644Glu; replaces lysine 644 with glutamic acid.
Molecular consequence: missense variant. On other transcripts: non-coding transcript variant (1).
Genome position (GRCh38, 1-based): chr10:119,919,501, A>G. VCF-style: chr10-119919501-A-G. GRCh37 (hg19) VCF-style: chr10-121679013-A-G.
Other names: c.1930A>G, p.Lys644Glu (NM_001411070.1); short protein forms K644E.
Identifiers: ClinVar variation 3059313 (VCV003059313.2), dbSNP rs2475298, ClinGen allele CA5718704.